The following is an entry in ClinVar:

NM_018027.5(FRMD4A):c.319_321delinsCCAT (p.Ser107fs)

Gene: FRMD4A (FERM domain containing 4A; minus strand). Cytogenetic location: 10p13.
Variant type: Indel.
Coding change: c.319_321delinsCCAT on transcript NM_018027.5 (MANE Select); coding-DNA positions 319 to 321, TCA replaced by CCAT.
Protein change: p.Ser107fs; shifts the reading frame from serine 107.
Molecular consequence: frameshift variant.
Genome position (GRCh38, 1-based): chr10:13,782,985-13,782,987, TGA replaced by ATGG on the plus strand (TCA replaced by CCAT on the coding strand, the reverse complement: FRMD4A is on the minus strand). VCF-style: chr10-13782985-TGA-ATGG. GRCh37 (hg19) VCF-style: chr10-13824985-TGA-ATGG.
Other names: c.367_369delinsCCAT, p.Ser123fs (NM_001318336.2); c.418_420delinsCCAT, p.Ser140fs (NM_001318337.2); short protein forms S107fs, S123fs, S140fs.
Identifiers: ClinVar variation 5002226 (VCV005002226.1).

ClinVar aggregate classification (germline): Uncertain significance (1 of 4 stars; one submission).

Conditions:
FRMD4A-related disorder. Also called: FRMD4A-related condition.

Submission:

PreventionGenetics, part of Exact Sciences
Classification: Uncertain significance for FRMD4A-related condition. Last evaluated: 2025-07-11. Review status: criteria provided, single submitter. Criteria: ACMG Guidelines, 2015. Collection method: clinical testing. Allele origin: germline.
Comment: The FRMD4A c.319_321delinsCCAT variant is predicted to result in a frameshift and premature protein termination (p.Ser107Profs*6). To our knowledge, this variant has not been reported in the literature or in a large population database (gnomAD), indicating this variant is rare. Loss of function is not well established mechanisms of FRMD4A-related disease. At this time, the clinical significance of this variant is uncertain due to the absence of conclusive functional and genetic evidence.